The following is an entry in ClinVar:

NM_014694.4(ADAMTSL2):c.378C>T (p.Asn126=)

Gene: ADAMTSL2 (ADAMTS like 2; plus strand). Cytogenetic location: 9q34.2.
Variant type: single nucleotide variant.
Coding change: c.378C>T on transcript NM_014694.4 (MANE Select); coding-DNA position 378, C replaced by T.
Protein change: p.Asn126=; no amino-acid change (asparagine 126 retained).
Molecular consequence: synonymous variant.
Genome position (GRCh38, 1-based): chr9:133,539,839, C>T. VCF-style: chr9-133539839-C-T. GRCh37 (hg19) VCF-style: chr9-136404961-C-T.
Other names: c.378C>T, p.Asn126= (NM_001145320.2); c.378C>T (NM_014694.3).
Identifiers: ClinVar variation 3234274 (VCV003234274.20), dbSNP rs142549723, ClinGen allele CA5312585.

ClinVar aggregate classification (germline): Likely benign. Review status: criteria provided, multiple submitters, no conflicts (2 of 4 stars). 3 submissions from 3 submitters: Likely benign (2). 1 of the submissions does not count toward it. Last evaluated 2026-07-01.

Conditions:
ADAMTSL2-related disorder. Also called: ADAMTSL2-related condition.
Inborn genetic diseases. Identifiers: MedGen C0950123, MeSH D030342.

Allele frequency attached by ClinVar (database versions not stated): TOPMed 0.00004; ExAC 0.00005; gnomAD 0.00005; gnomAD exomes 0.00005; 1000 Genomes Project 30x 0.00016; ESP Exome Variant Server 0.00018; 1000 Genomes Project 0.00040.

Submissions (3):

CeGaT Center for Human Genetics Tuebingen
Classification: Likely benign. Last evaluated: 2026-07-01. Review status: criteria provided, single submitter. Criteria: CeGaT Center For Human Genetics Tuebingen Variant Classification Criteria Version 2. Collection method: clinical testing. Allele origin: germline. Affected: yes. Observed: 2 variant alleles.
Comment: ADAMTSL2: BP4, BP7

Ambry Genetics
Classification: Likely benign for Inborn genetic diseases. Last evaluated: 2025-05-13. Review status: criteria provided, single submitter. Criteria: Ambry Variant Classification Scheme 2023. Collection method: clinical testing. Allele origin: germline.

PreventionGenetics, part of Exact Sciences
Classification: Likely benign for ADAMTSL2-related condition. Last evaluated: 2024-08-17. Review status: no assertion criteria provided. Collection method: clinical testing. Allele origin: germline. Not counted in ClinVar's aggregate classification.
Comment: This variant is classified as likely benign based on ACMG/AMP sequence variant interpretation guidelines (Richards et al. 2015 PMID: 25741868, with internal and published modifications).